The following is an entry in ClinVar:

NM_000256.3(MYBPC3):c.2843A>C (p.Asn948Thr)

Gene: MYBPC3 (myosin binding protein C3; minus strand). Cytogenetic location: 11p11.2.
Variant type: single nucleotide variant.
Coding change: c.2843A>C on transcript NM_000256.3 (MANE Select); coding-DNA position 2843, A replaced by C.
Protein change: p.Asn948Thr; replaces asparagine 948 with threonine.
Molecular consequence: missense variant.
Genome position (GRCh38, 1-based): chr11:47,335,104, T>G on the plus strand (A>C on the coding strand, the complement: MYBPC3 is on the minus strand). VCF-style: chr11-47335104-T-G. GRCh37 (hg19) VCF-style: chr11-47356655-T-G.
Other names: c.2843A>C, p.Asn948Thr (LRG_386t1); short protein forms N948T.
Identifiers: ClinVar variation 8615 (VCV000008615.6), dbSNP rs121909376, ClinGen allele CA013042.
Genomic context (GRCh38, chr11:47,335,104, plus strand): 5'-AGGATCTCCTGCACTGTCACCGGCTCCGTGGTGGTAACAGGGGCTCCAGGCCCTGCCATA[T>G]TGTGTGCCCGCACTCGGAAAAGCAGCCGGGCCCCCGTGGGCAGGTCCTTCACCAGTATCG-3'
Protein context (NP_000247.2, residues 938-958): ARLLFRVRAH[Asn948Thr]MAGPGAPVTT

ClinVar aggregate classification (germline): Uncertain significance. Review status: criteria provided, multiple submitters, no conflicts (2 of 4 stars). 3 submissions from 3 submitters: Uncertain significance (2). 1 of the submissions does not count toward it. Last evaluated 2025-06-18.

Conditions:
Cardiomyopathy, dilated, 1MM (CMD1MM). Identifiers: MedGen C3809346, MONDO:0800368.
Cardiomyopathy (CMYO). Also called: Cardiomyopathies. Identifiers: Orphanet 167848, MedGen C0878544, MONDO:0004994, HP:0001638. Inheritance: Various modes of inheritance.
Hypertrophic cardiomyopathy. Also called: HYPERTROPHIC MYOCARDIOPATHY. Identifiers: Orphanet 217569, MedGen C0007194, MeSH D002312, MONDO:0005045, HP:0001639.

Submissions (3):

Labcorp Genetics (formerly Invitae), Labcorp
Classification: Uncertain significance for Hypertrophic cardiomyopathy. Last evaluated: 2025-06-18. Review status: criteria provided, single submitter. Criteria: Invitae Variant Classification Sherloc (09022015). Collection method: clinical testing. Allele origin: germline.
Comment: This sequence change replaces asparagine, which is neutral and polar, with threonine, which is neutral and polar, at codon 948 of the MYBPC3 protein (p.Asn948Thr). This variant is not present in population databases (gnomAD no frequency). This missense change has been observed in individual(s) with dilated cardiomyopathy (PMID: 12379228). ClinVar contains an entry for this variant (Variation ID: 8615). An algorithm developed to predict the effect of missense changes on protein structure and function (PolyPhen-2) suggests that this variant is likely to be disruptive. In summary, the available evidence is currently insufficient to determine the role of this variant in disease. Therefore, it has been classified as a Variant of Uncertain Significance.

Color Diagnostics, LLC DBA Color Health
Classification: Uncertain significance for Cardiomyopathy. Last evaluated: 2021-07-26. Review status: criteria provided, single submitter. Criteria: ACMG Guidelines, 2015. Collection method: clinical testing. Allele origin: germline.
Comment: This missense variant replaces asparagine with threonine at codon 948 of the MYBPC3 protein. Computational prediction is inconclusive regarding the impact of this variant on protein structure and function (internally defined REVEL score threshold 0.5 < inconclusive < 0.7, PMID: 27666373). To our knowledge, functional studies have not been reported for this variant. This variant has been reported in an individual affected with dilated cardiomyopathy (PMID: 12379228). This variant has not been identified in the general population by the Genome Aggregation Database (gnomAD). The available evidence is insufficient to determine the role of this variant in disease conclusively. Therefore, this variant is classified as a Variant of Uncertain Significance.

OMIM
Classification: Pathogenic for CARDIOMYOPATHY, DILATED, 1MM. Last evaluated: 2002-10-18. Review status: no assertion criteria provided. Collection method: literature only. Allele origin: germline. Not counted in ClinVar's aggregate classification.

Literature cited by the submitters: PubMed 12379228 (cited by Labcorp Genetics (formerly Invitae), Labcorp and OMIM).